The following is an entry in ClinVar:

NM_016203.4(PRKAG2):c.667T>C (p.Tyr223His)

Gene: PRKAG2 (protein kinase AMP-activated non-catalytic subunit gamma 2; minus strand). Cytogenetic location: 7q36.1.
Variant type: single nucleotide variant.
Coding change: c.667T>C on transcript NM_016203.4 (MANE Select); coding-DNA position 667, T replaced by C.
Protein change: p.Tyr223His; replaces tyrosine 223 with histidine.
Molecular consequence: missense variant. On other transcripts: intron variant (5).
Genome position (GRCh38, 1-based): chr7:151,675,437, A>G on the plus strand (T>C on the coding strand, the complement: PRKAG2 is on the minus strand). VCF-style: chr7-151675437-A-G. GRCh37 (hg19) VCF-style: chr7-151372523-A-G.
Other names: c.535T>C, p.Tyr179His (NM_001040633.2, NM_001407024.1, NM_001407026.1 and 1 more transcripts); c.295T>C, p.Tyr99His (NM_001304527.2, NM_001363698.2, NM_001407028.1 and 1 more transcripts); c.667T>C, p.Tyr223His (NM_001407021.1, NM_001407022.1, NM_001407023.1); c.349T>C, p.Tyr117His (NM_001407032.1); c.467-79986T>C (NM_001407031.1); c.467-79983T>C (NM_001407030.1); c.361-43299T>C (NM_001407033.1); c.94+60463T>C (NM_001407037.1); and 1 more; short protein forms Y117H, Y179H, Y223H, Y99H.
Identifiers: ClinVar variation 3073664 (VCV003073664.1), dbSNP rs730880974, ClinGen allele CA370186873.

ClinVar aggregate classification (germline): Uncertain significance (1 of 4 stars; one submission).

Conditions:
Hypertrophic cardiomyopathy. Also called: HYPERTROPHIC MYOCARDIOPATHY. Identifiers: Orphanet 217569, MedGen C0007194, MeSH D002312, MONDO:0005045, HP:0001639.

Submission:

All of Us Research Program, National Institutes of Health
Classification: Uncertain significance for Hypertrophic cardiomyopathy. Last evaluated: 2023-10-02. Review status: criteria provided, single submitter. Criteria: ACMG Guidelines, 2015. Collection method: clinical testing. Allele origin: germline. Inheritance: Autosomal dominant inheritance. Observed: 1 variant allele, 1 heterozygote.
Comment: This missense variant replaces tyrosine with histidine at codon 223 of the PRKAG2 protein. Computational prediction suggests that this variant may not impact protein structure and function (internally defined REVEL score threshold <= 0.5, PMID: 27666373). To our knowledge, functional studies have not been reported for this variant. This variant has not been reported in individuals affected with PRKAG2-related disorders in the literature. This variant has not been identified in the general population by the Genome Aggregation Database (gnomAD). The available evidence is insufficient to determine the role of this variant in disease conclusively. Therefore, this variant is classified as a Variant of Uncertain Significance.

This study involves interpretation of variants in research participants for the purpose of population health screening. Participant phenotype was not available at the time of variant classification. Additional details can be found in publication PMID: 35346344, PMCID: PMC8962531